The following is an entry in ClinVar:

ClinVar aggregate classification (germline): Conflicting classifications of pathogenicity. Review status: criteria provided, conflicting classifications (1 of 4 stars). 9 submissions from 9 submitters: Uncertain significance (2); Benign (1); Likely benign (6). Last evaluated 2025-12-21.

Conditions:
Inborn genetic diseases. Identifiers: MedGen C0950123, MeSH D030342.
Charcot-Marie-Tooth disease axonal type 2O. Also called: Charcot-Marie-Tooth Neuropathy Type 2O; CHARCOT-MARIE-TOOTH NEUROPATHY, AXONAL, TYPE 2O; CHARCOT-MARIE-TOOTH DISEASE, AXONAL, AUTOSOMAL DOMINANT, TYPE 2O; Charcot-Marie-Tooth disease, axonal, type 20. Identifiers: Orphanet 284232, MedGen C3280220, MONDO:0013644, OMIM 614228.
Cortical dysplasia, complex, with other brain malformations 13. Also called: Intellectual disability, autosomal dominant 13. Identifiers: MedGen C3281202, MONDO:0013805, OMIM 614563.
Autosomal dominant childhood-onset proximal spinal muscular atrophy without contractures. Also called: SPINAL MUSCULAR ATROPHY, CHILDHOOD, PROXIMAL, AUTOSOMAL DOMINANT; SPINAL MUSCULAR ATROPHY, JUVENILE, PROXIMAL, AUTOSOMAL DOMINANT; Spinal muscular atrophy, lower extremity-predominant 1, AD; KUGELBERG-WELANDER SYNDROME, AUTOSOMAL DOMINANT. Identifiers: Orphanet 209341, Orphanet 363447, MedGen C5780022, MONDO:0008026, OMIM 158600.

Allele frequency attached by ClinVar (database versions not stated): gnomAD exomes 0.00013 and 0.00018; ExAC 0.00014; ESP Exome Variant Server 0.00015; gnomAD 0.00017 and 0.00019; 1000 Genomes Project 0.00020; TOPMed 0.00020; 1000 Genomes Project 30x 0.00031.
gnomAD v4.1: 230 of 1,614,196 alleles (0.014%); highest among the groups gnomAD compares: Middle Eastern, 0.12%; no homozygotes.

Submissions (9):

Labcorp Genetics (formerly Invitae), Labcorp
Classification: Likely benign for Charcot-Marie-Tooth disease axonal type 2O. Last evaluated: 2025-12-21. Review status: criteria provided, single submitter. Criteria: Invitae Variant Classification Sherloc (09022015). Collection method: clinical testing. Allele origin: germline.

Blueprint Genetics
Classification: Likely benign. Last evaluated: 2024-11-05. Review status: criteria provided, single submitter. Criteria: ACMG Guidelines, 2015. Collection method: clinical testing. Allele origin: germline.

CeGaT Center for Human Genetics Tuebingen
Classification: Likely benign. Last evaluated: 2024-11-01. Review status: criteria provided, single submitter. Criteria: CeGaT Center For Human Genetics Tuebingen Variant Classification Criteria Version 2. Collection method: clinical testing. Allele origin: germline. Affected: yes. Observed: 5 variant alleles.
Comment: DYNC1H1: PP2, PP3, BS2

Genetic Services Laboratory, University of Chicago
Classification: Likely benign. Last evaluated: 2020-06-12. Review status: criteria provided, single submitter. Criteria: ACMG Guidelines, 2015. Collection method: clinical testing. Allele origin: germline. Affected: no.

New York Genome Center
Classification: Uncertain significance for Cortical dysplasia, complex, with other brain malformations 13. Last evaluated: 2019-10-02. Review status: criteria provided, single submitter. Criteria: NYGC Assertion Criteria 2020. Collection method: clinical testing. Allele origin: paternal. Inheritance: Autosomal dominant inheritance. Observed: 1 heterozygote. Study: CSER-NYCKidSeq. Segregation with disease not observed.

Athena Diagnostics
Classification: Likely benign. Last evaluated: 2018-06-13. Review status: criteria provided, single submitter. Criteria: Athena Diagnostics Criteria. Collection method: clinical testing. Allele origin: germline.

Ambry Genetics
Classification: Benign for Inborn genetic diseases. Last evaluated: 2017-07-24. Review status: criteria provided, single submitter. Criteria: Ambry General Variant Classification Scheme_2022. Collection method: clinical testing. Allele origin: germline. Observed: 1 variant allele.

GeneDx
Classification: Likely benign. Last evaluated: 2016-12-02. Review status: criteria provided, single submitter. Criteria: GeneDx Variant Classification (06012015). Collection method: clinical testing. Allele origin: germline. Affected: yes.
Comment: This variant is considered likely benign or benign based on one or more of the following criteria: it is a conservative change, it occurs at a poorly conserved position in the protein, it is predicted to be benign by multiple in silico algorithms, and/or has population frequency not consistent with disease.

Center for Genomics, Ann and Robert H. Lurie Children's Hospital of Chicago
Classification: Uncertain significance for Charcot-Marie-Tooth disease axonal type 2O; Autosomal dominant childhood-onset proximal spinal muscular atrophy without contractures; Cortical dysplasia, complex, with other brain malformations 13. Review status: criteria provided, single submitter. Criteria: ACMG Guidelines, 2015. Collection method: clinical testing. Allele origin: germline.
Comment: This variant has been reported in the literature in 1 individual with clinical suspicion of Charcot Marie Tooth disease (Volodarsky 2021 PMID:32376792). This variant is present in the Genome Aggregation Database (Highest reported MAF 0.02% (19/68042)). This variant is present in ClinVar (Variation ID:380403). Evolutionary conservation suggests that this variant may impact the protein; computational predictive tools suggest that this variant may not impact the protein. In summary, data on this variant is insufficient for disease classification. Therefore, the clinical significance of this variant is uncertain.

Literature cited by the submitters: PubMed 25700176 (cited by Athena Diagnostics).

NM_001376.5(DYNC1H1):c.10522C>A (p.Leu3508Ile)

Gene: DYNC1H1 (dynein cytoplasmic 1 heavy chain 1; plus strand). Cytogenetic location: 14q32.31.
Variant type: single nucleotide variant.
Coding change: c.10522C>A on transcript NM_001376.5 (MANE Select); coding-DNA position 10522, C replaced by A.
Protein change: p.Leu3508Ile; replaces leucine 3508 with isoleucine.
Molecular consequence: missense variant.
Genome position (GRCh38, 1-based): chr14:102,034,084, C>A. VCF-style: chr14-102034084-C-A. GRCh37 (hg19) VCF-style: chr14-102500421-C-A.
Other names: short protein forms L3508I.
Identifiers: ClinVar variation 380403 (VCV000380403.47), dbSNP rs149496322, ClinGen allele CA7353426.
Genomic context (GRCh38, chr14:102,034,084, plus strand): 5'-CGATGGGAAAAAACAAGTGAAACTTTCAAAAACCAGATGTCCACCATTGCTGGGGACTGT[C>A]TCTTGTCAGCTGCGTTCATTGCCTACGCGGGTTACTTTGACCAGCAGATGCGTCAGAACT-3'
Protein context (NP_001367.2, residues 3498-3518): NQMSTIAGDC[Leu3508Ile]LSAAFIAYAG